The following is an entry in ClinVar:

NM_005535.3(IL12RB1):c.304C>T (p.Gln102Ter)

Gene: IL12RB1 (interleukin 12 receptor subunit beta 1; minus strand). Cytogenetic location: 19p13.11.
Variant type: single nucleotide variant.
Coding change: c.304C>T on transcript NM_005535.3 (MANE Select); coding-DNA position 304, C replaced by T.
Protein change: p.Gln102Ter; replaces glutamine 102 with a stop codon.
Molecular consequence: nonsense.
Genome position (GRCh38, 1-based): chr19:18,080,937, G>A on the plus strand (C>T on the coding strand, the complement: IL12RB1 is on the minus strand). VCF-style: chr19-18080937-G-A. GRCh37 (hg19) VCF-style: chr19-18191747-G-A.
Other names: c.304C>T, p.Gln102Ter (NM_001290023.2, NM_153701.3); c.424C>T, p.Gln142Ter (NM_001290024.2); short protein forms Q102*, Q142*.
Identifiers: ClinVar variation 2098924 (VCV002098924.4), dbSNP rs2035855899, ClinGen allele CA404789879.

ClinVar aggregate classification (germline): Pathogenic (1 of 4 stars; one submission).

Conditions:
Mendelian susceptibility to mycobacterial diseases due to complete IL12RB1 deficiency. Also called: IL12RB1 DEFICIENCY; Immunodeficiency 30. Identifiers: Orphanet 319552, MedGen C4013949, MONDO:0013955, OMIM 614891.

Submission:

Labcorp Genetics (formerly Invitae), Labcorp
Classification: Pathogenic for Mendelian susceptibility to mycobacterial diseases due to complete IL12RB1 deficiency. Last evaluated: 2026-01-05. Review status: criteria provided, single submitter. Criteria: Invitae Variant Classification Sherloc (09022015). Collection method: clinical testing. Allele origin: germline.
Comment: This sequence change creates a premature translational stop signal (p.Gln102*) in the IL12RB1 gene. It is expected to result in an absent or disrupted protein product. Loss-of-function variants in IL12RB1 are known to be pathogenic (PMID: 9603733, 12591909). This variant is not present in population databases (gnomAD no frequency). This variant has not been reported in the literature in individuals affected with IL12RB1-related conditions. ClinVar contains an entry for this variant (Variation ID: 2098924). For these reasons, this variant has been classified as Pathogenic.

Literature cited by the submitters: PubMed 9603733; PubMed 12591909.